The following is an entry in ClinVar:

NM_001127222.2(CACNA1A):c.6750C>T (p.Ser2250=)

Genes: CACNA1A (calcium voltage-gated channel subunit alpha1 A; minus strand), LOC130063717 (ATAC-STARR-seq lymphoblastoid silent region 10203; plus strand). Cytogenetic location: 19p13.13.
Variant type: single nucleotide variant.
Coding change: c.6750C>T on transcript NM_001127222.2 (MANE Select); coding-DNA position 6750, C replaced by T.
Protein change: p.Ser2250=; no amino-acid change (serine 2250 retained).
Molecular consequence: synonymous variant.
Genome position (GRCh38, 1-based): chr19:13,208,786, G>A on the plus strand (C>T on the coding strand, the complement: CACNA1A is on the minus strand). VCF-style: chr19-13208786-G-A. GRCh37 (hg19) VCF-style: chr19-13319600-G-A.
Other names: c.6768C>T, p.Ser2256= (NM_000068.4, NM_023035.3); c.6753C>T, p.Ser2251= (NM_001127221.2); c.6759C>T, p.Ser2253= (NM_001174080.2).
Identifiers: ClinVar variation 947343 (VCV000947343.13), dbSNP rs375958273, ClinGen allele CA9239272.
Genomic context (GRCh38, chr19:13,208,786, plus strand): 5'-CAGCCTGGGGTCACTTGCAGCCGCACCCACCTGCCGGTGCGCCATGTGCTCTCGGCCCTC[G>A]CTGGGCGAGCGGGACCAGCGCTGGTCCCGAGCCCGTGCCCGGCCGTGGTCCGGCCGTTCC-3'
Protein context (NP_001120694.1, residues 2240-2260): ARDQRWSRSP[Ser2250=]EGREHMAHRQ

ClinVar aggregate classification (germline): Conflicting classifications of pathogenicity. Review status: criteria provided, conflicting classifications (1 of 4 stars). 2 submissions from 2 submitters: Uncertain significance (1); Likely benign (1). Last evaluated 2025-10-21.

Conditions:
Developmental and epileptic encephalopathy, 42 (DEE42A). Also called: DEVELOPMENTAL AND EPILEPTIC ENCEPHALOPATHY 42A; EPILEPTIC ENCEPHALOPATHY, EARLY INFANTILE, 42A; Epileptic encephalopathy, early infantile, 42. Identifiers: MedGen C4310716, MONDO:0014917, OMIM 617106.
Episodic ataxia type 2 (EA2). Also called: ATAXIA, EPISODIC, WITH NYSTAGMUS; ATAXIA, FAMILIAL PAROXYSMAL; CEREBELLAR ATAXIA, PAROXYSMAL, ACETAZOLAMIDE-RESPONSIVE; ACETAZOLAMIDE-RESPONSIVE HEREDITARY PAROXYSMAL CEREBELLAR ATAXIA; CEREBELLOPATHY, HEREDITARY PAROXYSMAL; EPISODIC ATAXIA, NYSTAGMUS-ASSOCIATED. Identifiers: Orphanet 97, MedGen C1720416, MONDO:0007163, OMIM 108500.

Allele frequency attached by ClinVar (database versions not stated): TOPMed 0.00002; ESP Exome Variant Server 0.00010; ExAC below 0.00001; gnomAD 0.00001; gnomAD exomes 0.00003 and 0.00002.
gnomAD v4.1: 44 of 1,562,674 alleles (0.0028%); highest among the groups gnomAD compares: East Asian, 0.0047%; no homozygotes.

Submissions (2):

Labcorp Genetics (formerly Invitae), Labcorp
Classification: Likely benign for Developmental and epileptic encephalopathy, 42; Episodic ataxia type 2. Last evaluated: 2025-10-21. Review status: criteria provided, single submitter. Criteria: Invitae Variant Classification Sherloc (09022015). Collection method: clinical testing. Allele origin: germline.

GeneDx
Classification: Uncertain significance. Last evaluated: 2019-11-20. Review status: criteria provided, single submitter. Criteria: GeneDx Variant Classification Process June 2021. Collection method: clinical testing. Allele origin: germline. Affected: yes.
Comment: Has not been previously published as pathogenic or benign to our knowledge; In silico analysis, which includes splice predictors and evolutionary conservation, suggests this variant may impact gene splicing. In the absence of RNA/functional studies, the actual effect of this sequence change is unknown.